The following is an entry in ClinVar:

NM_000170.3(GLDC):c.1546A>G (p.Thr516Ala)

Gene: GLDC (glycine decarboxylase; minus strand). Cytogenetic location: 9p24.1.
Variant type: single nucleotide variant.
Coding change: c.1546A>G on transcript NM_000170.3 (MANE Select); coding-DNA position 1546, A replaced by G.
Protein change: p.Thr516Ala; replaces threonine 516 with alanine.
Molecular consequence: missense variant.
Genome position (GRCh38, 1-based): chr9:6,589,229, T>C on the plus strand (A>G on the coding strand, the complement: GLDC is on the minus strand). VCF-style: chr9-6589229-T-C. GRCh37 (hg19) VCF-style: chr9-6589229-T-C.
Other names: c.1546A>G (NM_000170.2); short protein forms T516A.
Identifiers: ClinVar variation 1418024 (VCV001418024.5), dbSNP rs1007990230, ClinGen allele CA188663577.

ClinVar aggregate classification (germline): Uncertain significance. Review status: criteria provided, multiple submitters, no conflicts (2 of 4 stars). 3 submissions from 3 submitters: Uncertain significance (3). Last evaluated 2025-07-31.

Conditions:
Inborn genetic diseases. Identifiers: MedGen C0950123, MeSH D030342.
Glycine encephalopathy. Also called: Nonketotic hyperglycinemia; Non-ketotic hyperglycinemia. Identifiers: Orphanet 407, MedGen C0751748, MONDO:0011612, HP:0008288.

Allele frequency attached by ClinVar (database versions not stated): gnomAD 0.00001; TOPMed 0.00001.
gnomAD v4.1: 1 of 1,609,662 alleles (0.000062%); highest among the groups gnomAD compares: Admixed American, 0.0017%; no homozygotes.

Submissions (3):

Ambry Genetics
Classification: Uncertain significance for Inborn genetic diseases. Last evaluated: 2025-07-31. Review status: criteria provided, single submitter. Criteria: Ambry Variant Classification Scheme 2023. Collection method: clinical testing. Allele origin: germline.

GeneDx
Classification: Uncertain significance. Last evaluated: 2024-07-25. Review status: criteria provided, single submitter. Criteria: GeneDx Variant Classification Process June 2021. Collection method: clinical testing. Allele origin: germline. Affected: yes.
Comment: Not observed at significant frequency in large population cohorts (gnomAD); In silico analysis supports that this missense variant has a deleterious effect on protein structure/function; Has not been previously published as pathogenic or benign to our knowledge

Labcorp Genetics (formerly Invitae), Labcorp
Classification: Uncertain significance for Glycine encephalopathy. Last evaluated: 2022-08-21. Review status: criteria provided, single submitter. Criteria: Invitae Variant Classification Sherloc (09022015). Collection method: clinical testing. Allele origin: germline.
Comment: This sequence change replaces threonine, which is neutral and polar, with alanine, which is neutral and non-polar, at codon 516 of the GLDC protein (p.Thr516Ala). This variant is not present in population databases (gnomAD no frequency). This variant has not been reported in the literature in individuals affected with GLDC-related conditions. ClinVar contains an entry for this variant (Variation ID: 1418024). Advanced modeling of protein sequence and biophysical properties (such as structural, functional, and spatial information, amino acid conservation, physicochemical variation, residue mobility, and thermodynamic stability) performed at Invitae indicates that this missense variant is not expected to disrupt GLDC protein function. In summary, the available evidence is currently insufficient to determine the role of this variant in disease. Therefore, it has been classified as a Variant of Uncertain Significance.